The following is an entry in ClinVar:

ClinVar aggregate classification (germline): Uncertain significance (1 of 4 stars; one submission).

Conditions:
Alstrom syndrome (ALMS). Identifiers: Orphanet 64, MedGen C0268425, MONDO:0008763, OMIM 203800.

Allele frequency attached by ClinVar (database versions not stated): gnomAD exomes below 0.00001.
gnomAD v4.1: 1 of 1,613,936 alleles (0.000062%); highest among the groups gnomAD compares: Admixed American, 0.0017%; no homozygotes.

Submission:

Labcorp Genetics (formerly Invitae), Labcorp
Classification: Uncertain significance for Alstrom syndrome. Last evaluated: 2022-08-20. Review status: criteria provided, single submitter. Criteria: Invitae Variant Classification Sherloc (09022015). Collection method: clinical testing. Allele origin: germline.
Comment: This sequence change replaces glutamine, which is neutral and polar, with glutamic acid, which is acidic and polar, at codon 3418 of the ALMS1 protein (p.Gln3418Glu). This variant is present in population databases (no rsID available, gnomAD 0.003%). This variant has not been reported in the literature in individuals affected with ALMS1-related conditions. Experimental studies and prediction algorithms are not available or were not evaluated, and the functional significance of this variant is currently unknown. In summary, the available evidence is currently insufficient to determine the role of this variant in disease. Therefore, it has been classified as a Variant of Uncertain Significance.

NM_001378454.1(ALMS1):c.10249C>G (p.Gln3417Glu)

Gene: ALMS1 (ALMS1 centrosome and basal body associated protein; plus strand). Cytogenetic location: 2p13.1.
Variant type: single nucleotide variant.
Coding change: c.10249C>G on transcript NM_001378454.1 (MANE Select); coding-DNA position 10249, C replaced by G.
Protein change: p.Gln3417Glu; replaces glutamine 3417 with glutamic acid.
Molecular consequence: missense variant.
Genome position (GRCh38, 1-based): chr2:73,559,007, C>G. VCF-style: chr2-73559007-C-G. GRCh37 (hg19) VCF-style: chr2-73786134-C-G.
Other names: c.10252C>G, p.Gln3418Glu (NM_015120.4); short protein forms Q3417E, Q3418E.
Identifiers: ClinVar variation 2149239 (VCV002149239.1), dbSNP rs1389713074, ClinGen allele CA347277800.
Genomic context (GRCh38, chr2:73,559,007, plus strand): 5'-TAGTGTGTTAATTTCCCTTTCGTAGATTCCAGTGCTGCTGCTGCTGCAGAGCACTCAGCT[C>G]AAGTAGGAGACCCAGAAATGAAGAACTTGCCAGACACTAAAGCCATTACACAGAAAGAGG-3'
Protein context (NP_001365383.1, residues 3407-3427): SAAAAAEHSA[Gln3417Glu]VGDPEMKNLP